The following is an entry in ClinVar:

NM_003640.5(ELP1):c.1860T>C (p.Cys620=)

Gene: ELP1 (elongator acetyltransferase complex subunit 1; minus strand). Cytogenetic location: 9q31.3.
Variant type: single nucleotide variant.
Coding change: c.1860T>C on transcript NM_003640.5 (MANE Select); coding-DNA position 1860, T replaced by C.
Protein change: p.Cys620=; no amino-acid change (cysteine 620 retained).
Molecular consequence: synonymous variant.
Genome position (GRCh38, 1-based): chr9:108,901,676, A>G on the plus strand (T>C on the coding strand, the complement: ELP1 is on the minus strand). VCF-style: chr9-108901676-A-G. GRCh37 (hg19) VCF-style: chr9-111663956-A-G.
Other names: c.1518T>C, p.Cys506= (NM_001318360.2); c.813T>C, p.Cys271= (NM_001330749.2); c.1860T>C (NM_003640.4).
Identifiers: ClinVar variation 697330 (VCV000697330.12), dbSNP rs769936175, ClinGen allele CA5174862.
Genomic context (GRCh38, chr9:108,901,676, plus strand): 5'-AAGCCTTGATACCTCAATGTCATTGATGAAAAAGCGACACCTGTCAGTCAGACCAAGGAC[A>G]CATTCCTGCAAAGAAATAAAACTGAAATCACAAGCAATTCTATCTCAAATCAGTTAAACC-3'
Protein context (NP_003631.2, residues 610-630): TELAMIGEEE[Cys620=]VLGLTDRCRF

ClinVar aggregate classification (germline): Likely benign. Review status: criteria provided, multiple submitters, no conflicts (2 of 4 stars). 3 submissions from 3 submitters: Likely benign (2). 1 of the submissions does not count toward it. Last evaluated 2026-09-15.

Conditions:
Familial dysautonomia. Also called: FD; HSAN III. Identifiers: Orphanet 1764, MedGen C0013364, MONDO:0009131, OMIM 223900. Disease mechanism: loss of function.
ELP1-related disorder. Also called: ELP1-related condition.

Allele frequency attached by ClinVar (database versions not stated): gnomAD 0.00003 and 0.00004; gnomAD exomes 0.00003 and 0.00005; TOPMed 0.00004; ExAC 0.00007.
gnomAD v4.1: 42 of 1,613,990 alleles (0.0026%); highest among the groups gnomAD compares: Admixed American, 0.0083%; no homozygotes.

Submissions (3):

PreventionGenetics, part of Exact Sciences
Classification: Likely benign for ELP1-related condition. Last evaluated: 2026-09-15. Review status: criteria provided, single submitter. Criteria: ACMG Guidelines, 2015. Collection method: clinical testing. Allele origin: germline.
Comment: This variant is classified as likely benign based on ACMG/AMP sequence variant interpretation guidelines (Richards et al. 2015 PMID: 25741868, with internal and published modifications).

Labcorp Genetics (formerly Invitae), Labcorp
Classification: Likely benign. Last evaluated: 2025-11-05. Review status: criteria provided, single submitter. Criteria: Invitae Variant Classification Sherloc (09022015). Collection method: clinical testing. Allele origin: germline.

Natera, Inc.
Classification: Likely benign for Familial dysautonomia. Last evaluated: 2020-09-16. Review status: no assertion criteria provided. Collection method: clinical testing. Allele origin: germline. Not counted in ClinVar's aggregate classification.